The following is an entry in ClinVar:

NM_000179.3(MSH6):c.2323A>G (p.Lys775Glu)

Gene: MSH6 (mutS homolog 6; plus strand). Cytogenetic location: 2p16.3.
Variant type: single nucleotide variant.
Coding change: c.2323A>G on transcript NM_000179.3 (MANE Select); coding-DNA position 2323, A replaced by G.
Protein change: p.Lys775Glu; replaces lysine 775 with glutamic acid.
Molecular consequence: missense variant. On other transcripts: intron variant (3), non-coding transcript variant (5).
Genome position (GRCh38, 1-based): chr2:47,800,306, A>G. VCF-style: chr2-47800306-A-G. GRCh37 (hg19) VCF-style: chr2-48027445-A-G.
Other names: c.1933A>G, p.Lys645Glu (NM_001281492.2); c.1417A>G, p.Lys473Glu (NM_001281493.2, NM_001281494.2, NM_001406816.1 and 6 more transcripts); c.2419A>G, p.Lys807Glu (NM_001406795.1, NM_001406802.1); c.2323A>G, p.Lys775Glu (NM_001406796.1, NM_001406798.1, NM_001406800.1 and 2 more transcripts); c.2026A>G, p.Lys676Glu (NM_001406797.1, NM_001406801.1, NM_001406818.1 and 10 more transcripts); c.1798A>G, p.Lys600Glu (NM_001406799.1, NM_001406806.1, NM_001406807.1); c.2245A>G, p.Lys749Glu (NM_001406804.1); c.628-360A>G (NM_001407362.1); and 4 more; short protein forms K645E, K775E, K600E, K676E, K719E, K749E, K473E, K777E.
Identifiers: ClinVar variation 3633948 (VCV003633948.2).

ClinVar aggregate classification (germline): Uncertain significance (1 of 4 stars; one submission).

Conditions:
Hereditary nonpolyposis colorectal neoplasms. Identifiers: MedGen C0009405, MeSH D003123.

Submission:

Labcorp Genetics (formerly Invitae), Labcorp
Classification: Uncertain significance for Hereditary nonpolyposis colorectal neoplasms. Last evaluated: 2024-02-04. Review status: criteria provided, single submitter. Criteria: Invitae Variant Classification Sherloc (09022015). Collection method: clinical testing. Allele origin: germline.
Comment: This sequence change replaces lysine, which is basic and polar, with glutamic acid, which is acidic and polar, at codon 775 of the MSH6 protein (p.Lys775Glu). This variant is not present in population databases (gnomAD no frequency). This variant has not been reported in the literature in individuals affected with MSH6-related conditions. Advanced modeling of protein sequence and biophysical properties (such as structural, functional, and spatial information, amino acid conservation, physicochemical variation, residue mobility, and thermodynamic stability) has been performed at Invitae for this missense variant, however the output from this modeling did not meet the statistical confidence thresholds required to predict the impact of this variant on MSH6 protein function. In summary, the available evidence is currently insufficient to determine the role of this variant in disease. Therefore, it has been classified as a Variant of Uncertain Significance.